The following is an entry in ClinVar:

NM_000246.4(CIITA):c.2858C>G (p.Ala953Gly)

Gene: CIITA (class II major histocompatibility complex transactivator; plus strand). Cytogenetic location: 16p13.13.
Variant type: single nucleotide variant.
Coding change: c.2858C>G on transcript NM_000246.4 (MANE Select); coding-DNA position 2858, C replaced by G.
Protein change: p.Ala953Gly; replaces alanine 953 with glycine.
Molecular consequence: missense variant. On other transcripts: non-coding transcript variant (1).
Genome position (GRCh38, 1-based): chr16:10,910,229, C>G. VCF-style: chr16-10910229-C-G. GRCh37 (hg19) VCF-style: chr16-11004086-C-G.
Other names: c.2861C>G, p.Ala954Gly (NM_001286402.1, NM_001379332.1); c.1106C>G, p.Ala369Gly (NM_001286403.2); c.2714C>G, p.Ala905Gly (NM_001379330.1); c.2711C>G, p.Ala904Gly (NM_001379331.1); c.2858C>G, p.Ala953Gly (NM_001379333.1); c.2789C>G, p.Ala930Gly (NM_001379334.1); short protein forms A369G, A905G, A954G, A930G, A904G, A953G.
Identifiers: ClinVar variation 1031475 (VCV001031475.2), dbSNP rs867193240, ClinGen allele CA394735620.

ClinVar aggregate classification (germline): Uncertain significance. Review status: criteria provided, multiple submitters, no conflicts (2 of 4 stars). 2 submissions from 2 submitters: Uncertain significance (2). Last evaluated 2018-09-10.

Conditions:
MHC class II deficiency. Also called: Bare lymphocyte syndrome 2; BLS, TYPE II. Identifiers: Orphanet 572, MedGen C5447452, MONDO:0008855.

Allele frequency attached by ClinVar (database versions not stated): gnomAD exomes below 0.00001.

Submissions (2):

Baylor Genetics
Classification: Uncertain significance for MHC class II deficiency 1. Last evaluated: 2018-09-10. Review status: criteria provided, single submitter. Criteria: ACMG Guidelines, 2015. Collection method: clinical testing. Allele origin: maternal. Affected: yes.
Comment: This variant was determined to be of uncertain significance according to ACMG Guidelines, 2015 [PMID:25741868].

Blueprint Genetics
Classification: Uncertain significance. Last evaluated: 2018-07-03. Review status: criteria provided, single submitter. Criteria: ACMG Guidelines, 2015. Collection method: clinical testing. Allele origin: germline.